The following is an entry in ClinVar:

ClinVar aggregate classification (germline): Pathogenic (1 of 4 stars; one submission).

Conditions:
Hereditary breast ovarian cancer syndrome. Also called: Hereditary breast and/or ovarian cancer syndrome; Hereditary breast and ovarian cancer syndrome; Breast and ovarian cancer; Hereditary breast and ovarian cancer syndrome (HBOC); BRCA1- and BRCA2-Associated Hereditary Breast and Ovarian Cancer; Hereditary breast and ovarian cancer. Identifiers: Orphanet 145, MedGen C0677776, MeSH D061325, MONDO:0003582. Disease mechanism: loss of function.

Submission:

Labcorp Genetics (formerly Invitae), Labcorp
Classification: Pathogenic for Hereditary breast ovarian cancer syndrome. Last evaluated: 2025-11-03. Review status: criteria provided, single submitter. Criteria: Invitae Variant Classification Sherloc (09022015). Collection method: clinical testing. Allele origin: germline.
Comment: This sequence change creates a premature translational stop signal (p.Leu413Ilefs*7) in the BRCA2 gene. It is expected to result in an absent or disrupted protein product. Loss-of-function variants in BRCA2 are known to be pathogenic (PMID: 20104584). This variant is not present in population databases (gnomAD no frequency). This variant has not been reported in the literature in individuals affected with BRCA2-related conditions. For these reasons, this variant has been classified as Pathogenic.

Literature cited by the submitters: PubMed 20104584.

NM_000059.4(BRCA2):c.1236_1237del (p.Leu413fs)

Gene: BRCA2 (BRCA2 DNA repair associated; plus strand). Cytogenetic location: 13q13.1.
Variant type: Deletion.
Coding change: c.1236_1237del on transcript NM_000059.4 (MANE Select); coding-DNA positions 1236 to 1237, 2 bases deleted (CC; older notation c.1236_1237delCC).
Protein change: p.Leu413fs; shifts the reading frame from leucine 413.
Molecular consequence: frameshift variant. On other transcripts: non-coding transcript variant (1), intron variant (1).
Genome position (GRCh38, 1-based): chr13:32,332,714-32,332,715, CC deleted; deleting any 2 consecutive bases within chr13:32,332,712-32,332,715 gives the same sequence; the c. name uses the placement nearest the transcript's 3' end. VCF-style (leftmost placement, unchanged base first): chr13-32332711-ACC-A. GRCh37 (hg19) VCF-style: chr13-32906848-ACC-A.
Other names: c.1236_1237del, p.Leu413fs (NM_001406719.1, NM_001406720.1, NM_001406721.1 and 1 more transcripts); c.424+1684_424+1685del (NM_001406722.1); short protein forms L413fs.
Identifiers: ClinVar variation 4730395 (VCV004730395.1).
Genomic context (GRCh38, chr13:32,332,711, plus strand): 5'-GGCCTGTGAATGGTCTCAACTAACCCTTTCAGGTCTAAATGGAGCCCAGATGGAGAAAAT[ACC>A]CCTATTGCATATTTCTTCATGTGACCAAAATATTTCAGAAAAAGACCTATTAGACACAGA-3'